The following is an entry in ClinVar:

ClinVar aggregate classification (germline): Likely pathogenic (1 of 4 stars; one submission).

Submission:

GeneDx
Classification: Likely pathogenic. Last evaluated: 2017-11-16. Review status: criteria provided, single submitter. Criteria: GeneDx Variant Classification (06012015). Collection method: clinical testing. Allele origin: germline. Affected: yes.
Comment: The W81X variant in the ACTA1 gene has not been reported previously as a pathogenic variant nor as a benign variant, to our knowledge. This variant is predicted to cause loss of normal protein function either through protein truncation or nonsense-mediated mRNA decay. The W81X variant is not observed in large population cohorts (Lek et al., 2016). We interpret W81X as a likely pathogenic variant.

NM_001100.4(ACTA1):c.243G>A (p.Trp81Ter)

Gene: ACTA1 (actin alpha 1, skeletal muscle; minus strand). Cytogenetic location: 1q42.13.
Variant type: single nucleotide variant.
Coding change: c.243G>A on transcript NM_001100.4 (MANE Select); coding-DNA position 243, G replaced by A.
Protein change: p.Trp81Ter; replaces tryptophan 81 with a stop codon.
Molecular consequence: nonsense.
Genome position (GRCh38, 1-based): chr1:229,432,767, C>T on the plus strand (G>A on the coding strand, the complement: ACTA1 is on the minus strand). VCF-style: chr1-229432767-C-T. GRCh37 (hg19) VCF-style: chr1-229568514-C-T.
Other names: short protein forms W81*.
Identifiers: ClinVar variation 265024 (VCV000265024.2), dbSNP rs886039302, ClinGen allele CA10588285.